The following is an entry in ClinVar:

NM_017617.5(NOTCH1):c.1373C>T (p.Ser458Leu)

Gene: NOTCH1 (notch receptor 1; minus strand). Cytogenetic location: 9q34.3.
Variant type: single nucleotide variant.
Coding change: c.1373C>T on transcript NM_017617.5 (MANE Select); coding-DNA position 1373, C replaced by T.
Protein change: p.Ser458Leu; replaces serine 458 with leucine.
Molecular consequence: missense variant.
Genome position (GRCh38, 1-based): chr9:136,517,820, G>A on the plus strand (C>T on the coding strand, the complement: NOTCH1 is on the minus strand). VCF-style: chr9-136517820-G-A. GRCh37 (hg19) VCF-style: chr9-139412272-G-A.
Other names: c.1373C>T (NM_017617.3); short protein forms S458L.
Identifiers: ClinVar variation 2170058 (VCV002170058.5), dbSNP rs769569937, ClinGen allele CA5341824.

ClinVar aggregate classification (germline): Conflicting classifications of pathogenicity. Review status: criteria provided, conflicting classifications (1 of 4 stars). 2 submissions from 2 submitters: Uncertain significance (1); Likely benign (1). Last evaluated 2025-08-18.

Conditions:
Adams-Oliver syndrome 5 (AOS5). Identifiers: Orphanet 974, MedGen C4014970, MONDO:0014459, OMIM 616028.
Familial thoracic aortic aneurysm and aortic dissection (TAAD). Also called: Thoracic aortic aneurysms and dissections. Identifiers: Orphanet 91387, MedGen C4707243, MONDO:0019625.

Allele frequency attached by ClinVar (database versions not stated): gnomAD 0.00001; gnomAD exomes 0.00001; ExAC 0.00002.
gnomAD v4.1: 11 of 1,612,600 alleles (0.00068%); highest among the groups gnomAD compares: South Asian, 0.0011%; no homozygotes.

Submissions (2):

Ambry Genetics
Classification: Uncertain significance for Familial thoracic aortic aneurysm and aortic dissection. Last evaluated: 2025-08-18. Review status: criteria provided, single submitter. Criteria: Ambry Variant Classification Scheme 2023. Collection method: clinical testing. Allele origin: germline.
Comment: The p.S458L variant (also known as c.1373C>T), located in coding exon 8 of the NOTCH1 gene, results from a C to T substitution at nucleotide position 1373. The serine at codon 458 is replaced by leucine, an amino acid with dissimilar properties. This amino acid position is highly conserved in available vertebrate species. In addition, the in silico prediction for this alteration is inconclusive. Based on the available evidence, the clinical significance of this variant remains unclear.

Labcorp Genetics (formerly Invitae), Labcorp
Classification: Likely benign for Adams-Oliver syndrome 5. Last evaluated: 2022-11-15. Review status: criteria provided, single submitter. Criteria: Invitae Variant Classification Sherloc (09022015). Collection method: clinical testing. Allele origin: germline.